The following is an entry in ClinVar:

ClinVar aggregate classification (germline): Uncertain significance (1 of 4 stars; one submission).

Conditions:
Peroxisome biogenesis disorder 12A (Zellweger). Also called: Peroxisome biogenesis disorder 12A. Identifiers: Orphanet 912, MedGen C3554002, MONDO:0013951, OMIM 614886.

Submission:

Labcorp Genetics (formerly Invitae), Labcorp
Classification: Uncertain significance for Peroxisome biogenesis disorder 12A (Zellweger). Last evaluated: 2025-10-29. Review status: criteria provided, single submitter. Criteria: Invitae Variant Classification Sherloc (09022015). Collection method: clinical testing. Allele origin: germline.
Comment: This sequence change replaces glutamic acid, which is acidic and polar, with glutamine, which is neutral and polar, at codon 201 of the PEX19 protein (p.Glu201Gln). This variant is not present in population databases (gnomAD no frequency). This variant has not been reported in the literature in individuals affected with PEX19-related conditions. Invitae Evidence Modeling of protein sequence and biophysical properties (such as structural, functional, and spatial information, amino acid conservation, physicochemical variation, residue mobility, and thermodynamic stability) indicates that this missense variant is not expected to disrupt PEX19 protein function with a negative predictive value of 80%. In summary, the available evidence is currently insufficient to determine the role of this variant in disease. Therefore, it has been classified as a Variant of Uncertain Significance.

NM_002857.4(PEX19):c.601G>C (p.Glu201Gln)

Gene: PEX19 (peroxisomal biogenesis factor 19; minus strand). Cytogenetic location: 1q23.2.
Variant type: single nucleotide variant.
Coding change: c.601G>C on transcript NM_002857.4 (MANE Select); coding-DNA position 601, G replaced by C.
Protein change: p.Glu201Gln; replaces glutamic acid 201 with glutamine.
Molecular consequence: missense variant. On other transcripts: non-coding transcript variant (2).
Genome position (GRCh38, 1-based): chr1:160,280,240, C>G on the plus strand (G>C on the coding strand, the complement: PEX19 is on the minus strand). VCF-style: chr1-160280240-C-G. GRCh37 (hg19) VCF-style: chr1-160250030-C-G.
Other names: c.601G>C, p.Glu201Gln (NM_001193644.1); short protein forms E201Q.
Identifiers: ClinVar variation 4741285 (VCV004741285.1).